The following is an entry in ClinVar:

NM_015557.3(CHD5):c.554T>C (p.Met185Thr)

Gene: CHD5 (chromodomain helicase DNA binding protein 5; minus strand). Cytogenetic location: 1p36.31.
Variant type: single nucleotide variant.
Coding change: c.554T>C on transcript NM_015557.3 (MANE Select); coding-DNA position 554, T replaced by C.
Protein change: p.Met185Thr; replaces methionine 185 with threonine.
Molecular consequence: missense variant.
Genome position (GRCh38, 1-based): chr1:6,154,851, A>G on the plus strand (T>C on the coding strand, the complement: CHD5 is on the minus strand). VCF-style: chr1-6154851-A-G. GRCh37 (hg19) VCF-style: chr1-6214911-A-G.
Other names: c.554T>C (NM_015557.2); short protein forms M185T.
Identifiers: ClinVar variation 4881767 (VCV004881767.3).

ClinVar aggregate classification (germline): Uncertain significance. Review status: criteria provided, multiple submitters, no conflicts (2 of 4 stars). 2 submissions from 2 submitters: Uncertain significance (2). Last evaluated 2026-03-04.

Conditions:
CHD5-related disorder. Also called: CHD5-related condition.
Parenti-mignot neurodevelopmental syndrome. Identifiers: MedGen C5676984, MONDO:0859249, OMIM 619873.

Submissions (2):

PreventionGenetics, part of Exact Sciences
Classification: Uncertain significance for CHD5-related condition. Last evaluated: 2026-03-04. Review status: criteria provided, single submitter. Criteria: ACMG Guidelines, 2015. Collection method: clinical testing. Allele origin: germline.
Comment: The CHD5 c.554T>C variant is predicted to result in the amino acid substitution p.Met185Thr. To our knowledge, this variant has not been reported in the literature or in a large population database (gnomAD), indicating this variant is rare. At this time, the clinical significance of this variant is uncertain due to the absence of conclusive functional and genetic evidence.

Dasa
Classification: Uncertain significance for Parenti-mignot neurodevelopmental syndrome. Last evaluated: 2026-02-20. Review status: criteria provided, single submitter. Criteria: DASA Assertion Criteria. Collection method: clinical testing. Allele origin: germline.
Comment: NM_015557.3(CHD5):c.554T>C (p.Met185Thr) is a missense variant that results in the substitution of methionine with threonine. This variant is rare in population databases. Computational prediction algorithms are consistent with a deleterious effect. The currently available literature and clinical evidence are not sufficient to establish a definitive association between this variant and the reported condition. Therefore, this variant is classified as a variant of uncertain significance.